The following is an entry in ClinVar:

NM_002109.6(HARS1):c.1127A>G (p.Lys376Arg)

Gene: HARS1 (histidyl-tRNA synthetase 1; minus strand). Cytogenetic location: 5q31.3.
Variant type: single nucleotide variant.
Coding change: c.1127A>G on transcript NM_002109.6 (MANE Select); coding-DNA position 1127, A replaced by G.
Protein change: p.Lys376Arg; replaces lysine 376 with arginine.
Molecular consequence: missense variant.
Genome position (GRCh38, 1-based): chr5:140,676,721, T>C on the plus strand (A>G on the coding strand, the complement: HARS1 is on the minus strand). VCF-style: chr5-140676721-T-C. GRCh37 (hg19) VCF-style: chr5-140056306-T-C.
Other names: c.1007A>G, p.Lys336Arg (NM_001258040.3); c.1067A>G, p.Lys356Arg (NM_001258041.3); c.947A>G, p.Lys316Arg (NM_001258042.3); c.905A>G, p.Lys302Arg (NM_001289092.2); c.785A>G, p.Lys262Arg (NM_001289093.2); c.1040A>G, p.Lys347Arg (NM_001289094.2); short protein forms K376R, K356R, K336R, K347R, K262R, K302R, K316R.
Identifiers: ClinVar variation 472987 (VCV000472987.58), dbSNP rs139447495, ClinGen allele CA3443917.

ClinVar aggregate classification (germline): Benign. Review status: criteria provided, multiple submitters, no conflicts (2 of 4 stars). 3 submissions from 3 submitters: Benign (3). Last evaluated 2026-01-27.

Conditions:
Usher syndrome type 3B. Also called: USHER SYNDROME, TYPE IIIB. Identifiers: MedGen C3281066, MONDO:0013788, OMIM 614504.

Allele frequency attached by ClinVar (database versions not stated): gnomAD exomes 0.00052 and 0.00122; ExAC 0.00142; 1000 Genomes Project 0.00399; 1000 Genomes Project 30x 0.00468; gnomAD 0.00478 and 0.00513; TOPMed 0.00510; ESP Exome Variant Server 0.00584.

Submissions (3):

Labcorp Genetics (formerly Invitae), Labcorp
Classification: Benign for Usher syndrome type 3B. Last evaluated: 2026-01-27. Review status: criteria provided, single submitter. Criteria: Invitae Variant Classification Sherloc (09022015). Collection method: clinical testing. Allele origin: germline.

ARUP Laboratories, Molecular Genetics and Genomics, ARUP Laboratories
Classification: Benign. Last evaluated: 2021-01-25. Review status: criteria provided, single submitter. Criteria: ARUP Molecular Germline Variant Investigation Process 2021. Collection method: clinical testing. Allele origin: germline.

GeneDx
Classification: Benign. Last evaluated: 2019-12-24. Review status: criteria provided, single submitter. Criteria: GeneDx Variant Classification Process June 2021. Collection method: clinical testing. Allele origin: germline. Affected: yes.
Comment: This variant is associated with the following publications: (PMID: 22930593)